The following is an entry in ClinVar:

NM_000455.5(STK11):c.148C>T (p.Leu50=)

Gene: STK11 (serine/threonine kinase 11; plus strand). Cytogenetic location: 19p13.3.
Variant type: single nucleotide variant.
Coding change: c.148C>T on transcript NM_000455.5 (MANE Select); coding-DNA position 148, C replaced by T.
Protein change: p.Leu50=; no amino-acid change (leucine 50 retained).
Molecular consequence: synonymous variant.
Genome position (GRCh38, 1-based): chr19:1,207,061, C>T. VCF-style: chr19-1207061-C-T. GRCh37 (hg19) VCF-style: chr19-1207060-C-T.
Other names: c.148C>T (NM_000455.4).
Identifiers: ClinVar variation 1542893 (VCV001542893.10), dbSNP rs2145405165, ClinGen allele CA504706167.
Genomic context (GRCh38, chr19:1,207,061, plus strand): 5'-GACTCCACCGAGGTCATCTACCAGCCGCGCCGCAAGCGGGCCAAGCTCATCGGCAAGTAC[C>T]TGATGGGGGACCTGCTGGGGGAAGGCTCTTACGGCAAGGTGAAGGAGGTGCTGGACTCGG-3'
Protein context (NP_000446.1, residues 40-60): RKRAKLIGKY[Leu50=]MGDLLGEGSY

ClinVar aggregate classification (germline): Conflicting classifications of pathogenicity. Review status: criteria provided, conflicting classifications (1 of 4 stars). 3 submissions from 3 submitters: Uncertain significance (1); Likely benign (2). Last evaluated 2026-02-23.

Conditions:
STK11-related disorder. Also called: STK11-related condition.
Peutz-Jeghers syndrome (PJS). Also called: Peutz-Jeghers polyposis; Periorificial lentiginosis syndrome; POLYPOSIS, HAMARTOMATOUS INTESTINAL; POLYPS-AND-SPOTS SYNDROME. Identifiers: Orphanet 2869, MedGen C0031269, MeSH D010580, MONDO:0008280, OMIM 175200.

Submissions (3):

PreventionGenetics, part of Exact Sciences
Classification: Likely benign for STK11-related condition. Last evaluated: 2026-02-23. Review status: criteria provided, single submitter. Criteria: ACMG Guidelines, 2015. Collection method: clinical testing. Allele origin: germline.
Comment: This variant is classified as likely benign based on ACMG/AMP sequence variant interpretation guidelines (Richards et al. 2015 PMID: 25741868, with internal and published modifications).

Labcorp Genetics (formerly Invitae), Labcorp
Classification: Likely benign for Peutz-Jeghers syndrome. Last evaluated: 2025-04-08. Review status: criteria provided, single submitter. Criteria: Invitae Variant Classification Sherloc (09022015). Collection method: clinical testing. Allele origin: germline.

Quest Diagnostics Nichols Institute San Juan Capistrano
Classification: Uncertain significance. Last evaluated: 2024-09-23. Review status: criteria provided, single submitter. Criteria: Quest Diagnostics criteria. Collection method: clinical testing. Allele origin: unknown.
Comment: The STK11 c.148C>T (p.Leu50=) synonymous variant has not been reported in individuals with STK11-related conditions in the published literature. It also has not been reported in large, multi-ethnic general populations (Genome Aggregation Database). Analysis of this variant using software algorithms for the prediction of the effect of nucleotide changes on splicing yielded predictions that this variant does not affect STK11 mRNA splicing. Based on the available information, we are unable to determine the clinical significance of this variant.